The following is an entry in ClinVar:

ClinVar aggregate classification (germline): Conflicting classifications of pathogenicity. Review status: criteria provided, conflicting classifications (1 of 4 stars). 2 submissions from 2 submitters: Uncertain significance (1); Likely benign (1). Last evaluated 2025-09-23.

Conditions:
Hereditary diffuse gastric adenocarcinoma (HDGC). Also called: DIFFUSE GASTRIC AND LOBULAR BREAST CANCER SYNDROME. Identifiers: Orphanet 26106, MedGen C1708349, MONDO:0007648, OMIM 137215.
Hereditary cancer-predisposing syndrome. Also called: Hereditary Cancer Syndrome; Hereditary neoplastic syndrome; Tumor predisposition; Neoplastic Syndromes, Hereditary. Identifiers: Orphanet 140162, MedGen C0027672, MeSH D009386, MONDO:0015356.

gnomAD v4.1: 2 of 1,614,142 alleles (0.00012%); highest among the groups gnomAD compares: Non-Finnish European, 0.00017%; no homozygotes.

Submissions (2):

Labcorp Genetics (formerly Invitae), Labcorp
Classification: Uncertain significance for Hereditary diffuse gastric adenocarcinoma. Last evaluated: 2025-09-23. Review status: criteria provided, single submitter. Criteria: Invitae Variant Classification Sherloc (09022015). Collection method: clinical testing. Allele origin: germline.
Comment: This sequence change replaces aspartic acid, which is acidic and polar, with glutamic acid, which is acidic and polar, at codon 313 of the CDH1 protein (p.Asp313Glu). This variant is not present in population databases (gnomAD no frequency). This missense change has been observed in individual(s) with breast cancer (PMID: 34326862). ClinVar contains an entry for this variant (Variation ID: 1362483). An algorithm developed to predict the effect of missense changes on protein structure and function outputs the following: PolyPhen-2: "Benign". The glutamic acid amino acid residue is found in multiple mammalian species, which suggests that this missense change does not adversely affect protein function. In summary, the available evidence is currently insufficient to determine the role of this variant in disease. Therefore, it has been classified as a Variant of Uncertain Significance.

Ambry Genetics
Classification: Likely benign for Hereditary cancer-predisposing syndrome. Last evaluated: 2025-06-17. Review status: criteria provided, single submitter. Criteria: Ambry Variant Classification Scheme 2023. Collection method: clinical testing. Allele origin: germline.

Literature cited by the submitters: PubMed 34326862 (cited by Labcorp Genetics (formerly Invitae), Labcorp); PubMed 29522266 (cited by Ambry Genetics).

NM_004360.5(CDH1):c.939C>G (p.Asp313Glu)

Gene: CDH1 (cadherin 1; plus strand). Cytogenetic location: 16q22.1.
Variant type: single nucleotide variant.
Coding change: c.939C>G on transcript NM_004360.5 (MANE Select); coding-DNA position 939, C replaced by G.
Protein change: p.Asp313Glu; replaces aspartic acid 313 with glutamic acid.
Molecular consequence: missense variant. On other transcripts: 5 prime UTR variant (2).
Genome position (GRCh38, 1-based): chr16:68,811,790, C>G. VCF-style: chr16-68811790-C-G. GRCh37 (hg19) VCF-style: chr16-68845693-C-G.
Other names: c.939C>G, p.Asp313Glu (NM_001317184.2); c.-677C>G (NM_001317185.2); c.-881C>G (NM_001317186.2); short protein forms D313E.
Identifiers: ClinVar variation 1362483 (VCV001362483.11), dbSNP rs955528859, ClinGen allele CA396459760.